The following is an entry in ClinVar:

NM_007294.4(BRCA1):c.80+7C>T

Gene: BRCA1 (BRCA1 DNA repair associated; minus strand). Cytogenetic location: 17q21.31.
Variant type: single nucleotide variant.
Coding change: c.80+7C>T on transcript NM_007294.4 (MANE Select); 7 bases into the intron after coding-DNA position 80, C replaced by T.
Molecular consequence: intron variant.
Genome position (GRCh38, 1-based): chr17:43,124,010, G>A on the plus strand (C>T on the coding strand, the complement: BRCA1 is on the minus strand). VCF-style: chr17-43124010-G-A. GRCh37 (hg19) VCF-style: chr17-41276027-G-A.
Other names: IVS2+7C>T; c.80+7C>T (NM_001407581.1, NM_001408422.1, NM_001407874.1 and 192 more transcripts); c.-340+7C>T (NM_001407965.1); c.-178+7C>T (NM_001407930.1, NM_001407843.1, NM_001408456.1 and 11 more transcripts); c.-182+7C>T (NM_001408465.1, NM_001407695.1); c.-254+7C>T (NM_001408482.1); c.-207+7C>T (NM_001407920.1, NM_001407697.1, NM_001407846.1); c.-323+7C>T (NM_001407696.1); and 24 more.
Identifiers: ClinVar variation 125521 (VCV000125521.23), dbSNP rs80358098, ClinGen allele CA003892.
Genomic context (GRCh38, chr17:43,124,010, plus strand): 5'-ATTCTGTTCATTTGCATAGGAGATAATCATAGGAATCCCAAATTAATACACTCTTGTGCT[G>A]ACTTACCAGATGGGACACTCTAAGATTTTCTGCATAGCATTAATGACATTTTGTACTTCT-3'

ClinVar aggregate classification (germline): Conflicting classifications of pathogenicity. Review status: criteria provided, conflicting classifications (1 of 4 stars). 7 submissions from 7 submitters: Uncertain significance (1); Likely benign (3). 3 of the submissions do not count toward it. Last evaluated 2025-11-09.

Conditions:
Hereditary cancer-predisposing syndrome. Also called: Tumor predisposition; Hereditary neoplastic syndrome; Hereditary Cancer Syndrome; Neoplastic Syndromes, Hereditary. Identifiers: Orphanet 140162, MedGen C0027672, MeSH D009386, MONDO:0015356.
Hereditary breast ovarian cancer syndrome. Also called: Hereditary breast and/or ovarian cancer syndrome; Breast and ovarian cancer; Hereditary breast and ovarian cancer syndrome; Hereditary breast and ovarian cancer; Hereditary breast and ovarian cancer syndrome (HBOC); BRCA1- and BRCA2-Associated Hereditary Breast and Ovarian Cancer. Identifiers: Orphanet 145, MedGen C0677776, MeSH D061325, MONDO:0003582. Disease mechanism: loss of function.
Breast-ovarian cancer, familial, susceptibility to, 1 (BROVCA1). Also called: BRCA1 Hereditary Breast and Ovarian Cancer; OVARIAN CANCER, SUSCEPTIBILITY TO. Identifiers: Orphanet 145, MedGen C2676676, MONDO:0011450, OMIM 604370. Disease mechanism: loss of function.
Malignant tumor of breast. Also called: Malignant breast neoplasm; Cancer breast. Identifiers: MedGen C0006142, MONDO:0007254. Disease mechanism: loss of function.

Allele frequency attached by ClinVar (database versions not stated): gnomAD 0.00001; TOPMed 0.00001.
gnomAD v4.1: 3 of 1,605,640 alleles (0.00019%); highest among the groups gnomAD compares: Admixed American, 0.0033%; no homozygotes.

Submissions (7):

Labcorp Genetics (formerly Invitae), Labcorp
Classification: Likely benign for Hereditary breast ovarian cancer syndrome. Last evaluated: 2025-11-09. Review status: criteria provided, single submitter. Criteria: Invitae Variant Classification Sherloc (09022015). Collection method: clinical testing. Allele origin: germline.

Women's Health and Genetics/Laboratory Corporation of America, LabCorp
Classification: Likely benign. Last evaluated: 2025-04-16. Review status: criteria provided, single submitter. Criteria: LabCorp Variant Classification Summary - May 2015. Collection method: clinical testing. Allele origin: germline.
Comment: Variant summary: BRCA1 c.80+7C>T alters a conserved nucleotide located at a position not widely known to affect splicing. Consensus agreement among computation tools predict no significant impact on normal splicing. However, these predictions have yet to be confirmed by functional studies. The variant allele was found at a frequency of 4e-06 in 250986 control chromosomes. The available data on variant occurrences in the general population are insufficient to allow any conclusion about variant significance. c.80+7C>T has been observed in individual(s) affected with Hereditary Breast And Ovarian Cancer Syndrome (Judkins_2005). These report(s) do not provide unequivocal conclusions about association of the variant with Hereditary Breast And Ovarian Cancer Syndrome. To our knowledge, no experimental evidence demonstrating an impact on protein function has been reported. The following publication has been ascertained in the context of this evaluation (PMID: 16267036). ClinVar contains an entry for this variant (Variation ID: 125521). Based on the evidence outlined above, the variant was classified as likely benign.

Quest Diagnostics Nichols Institute San Juan Capistrano
Classification: Uncertain significance. Last evaluated: 2021-05-03. Review status: criteria provided, single submitter. Criteria: Quest Diagnostics criteria. Collection method: clinical testing. Allele origin: unknown.

Color Diagnostics, LLC DBA Color Health
Classification: Likely benign for Hereditary cancer-predisposing syndrome. Last evaluated: 2019-03-29. Review status: criteria provided, single submitter. Criteria: ACMG Guidelines, 2015. Collection method: clinical testing. Allele origin: germline.

Counsyl
Classification: Likely benign for Breast-ovarian cancer, familial, susceptibility to, 1. Last evaluated: 2016-08-30. Review status: no assertion criteria provided. Collection method: clinical testing. Allele origin: unknown. Not counted in ClinVar's aggregate classification.

Breast Cancer Information Core (BIC) (BRCA1)
Classification: Uncertain significance for Breast-ovarian cancer, familial 1. Last evaluated: 2003-12-23. Review status: no assertion criteria provided. Collection method: clinical testing. Allele origin: germline. Affected: yes. Observed: 1 variant allele. Not counted in ClinVar's aggregate classification.

Department of Pathology and Laboratory Medicine, Sinai Health System
Classification: Uncertain significance for Malignant tumor of breast. Review status: no assertion criteria provided. Collection method: clinical testing. Allele origin: unknown. Affected: yes. Observed: 1 variant allele. Study: The Canadian Open Genetics Repository (COGR). Not counted in ClinVar's aggregate classification.
Comment: The BRCA1 c.80+7C>T variant was not identified in the literature nor was it identified in the Cosmic, MutDB, LOVD 3.0, UMD-LSDB, BIC Database, ARUP Laboratories, or Zhejiang Colon Cancer Database. The variant was identified in dbSNP (ID: rs80358098) as â€šÃ„ÃºWith Likely benign, other alleleâ€šÃ„Ã¹, ClinVar (as uncertain significance by BIC and likely benign by Counsyl), and Clinvitae databases. The variant was identified in control databases in 1 of 245756 chromosomes at a frequency of 0.000004 (Genome Aggregation Database Feb 27, 2017). Breakdown of the observations by population include Latino in 1 of 33580 chromosomes (freq: 0.00003), while the variant was not observed in the African, Other, European (Non-Finnish), Ashkenazi Jewish, East Asian, European (Finnish), and South Asian populations. The variant occurs outside of the splicing consensus sequence and 1 of 5 in silico or computational prediction software programs (SpliceSiteFinder, MaxEntScan, NNSPLICE, GeneSplicer, HumanSpliceFinder) predict a greater than 10% difference in splicing; this is not very predictive of pathogenicity. In summary, based on the above information the clinical significance of this variant cannot be determined with certainty at this time. This variant is classified as a variant of uncertain significance.

Literature cited by the submitters: PubMed 16267036 (cited by Women's Health and Genetics/Laboratory Corporation of America, LabCorp and Quest Diagnostics Nichols Institute San Juan Capistrano).